The following is an entry in ClinVar:

ClinVar aggregate classification (germline): Uncertain significance (1 of 4 stars; one submission).

gnomAD v4.1: 1 of 1,613,710 alleles (0.000062%); highest among the groups gnomAD compares: East Asian, 0.0022%; no homozygotes.

Submission:

Labcorp Genetics (formerly Invitae), Labcorp
Classification: Uncertain significance. Last evaluated: 2021-03-27. Review status: criteria provided, single submitter. Criteria: Invitae Variant Classification Sherloc (09022015). Collection method: clinical testing. Allele origin: germline.
Comment: Algorithms developed to predict the effect of missense changes on protein structure and function are either unavailable or do not agree on the potential impact of this missense change (SIFT: "Deleterious"; PolyPhen-2: "Probably Damaging"; Align-GVGD: "Class C0"). In summary, the available evidence is currently insufficient to determine the role of this variant in disease. Therefore, it has been classified as a Variant of Uncertain Significance. This variant has not been reported in the literature in individuals with ALPK3-related conditions. This variant is not present in population databases (ExAC no frequency). This sequence change replaces aspartic acid with tyrosine at codon 421 of the ALPK3 protein (p.Asp421Tyr). The aspartic acid residue is moderately conserved and there is a large physicochemical difference between aspartic acid and tyrosine.

NM_020778.5(ALPK3):c.655G>T (p.Asp219Tyr)

Gene: ALPK3 (alpha kinase 3; plus strand). Cytogenetic location: 15q25.3.
Variant type: single nucleotide variant.
Coding change: c.655G>T on transcript NM_020778.5 (MANE Select); coding-DNA position 655, G replaced by T.
Protein change: p.Asp219Tyr; replaces aspartic acid 219 with tyrosine.
Molecular consequence: missense variant.
Genome position (GRCh38, 1-based): chr15:84,839,934, G>T. VCF-style: chr15-84839934-G-T. GRCh37 (hg19) VCF-style: chr15-85383165-G-T.
Other names: short protein forms D219Y.
Identifiers: ClinVar variation 1417320 (VCV001417320.8), dbSNP rs148244525, ClinGen allele CA393373238.
Genomic context (GRCh38, chr15:84,839,934, plus strand): 5'-AGCTGGAAGCACGAGAAGGCGGTGCCTGGGGAGGTCGACACTCTGCGCAAGCTCAGCCCC[G>T]ACCGCTTCCAGCGAAAGCGGCGATTGAGCGGGGCTCAAGCGCCGGGCCCCTCGGTCCCTA-3'
Protein context (NP_065829.4, residues 209-229): EVDTLRKLSP[Asp219Tyr]RFQRKRRLSG